The following is an entry in ClinVar:

NM_001002295.2(GATA3):c.581T>G (p.Met194Arg)

Gene: GATA3 (GATA binding protein 3; plus strand). Cytogenetic location: 10p14.
Variant type: single nucleotide variant.
Coding change: c.581T>G on transcript NM_001002295.2 (MANE Select); coding-DNA position 581, T replaced by G.
Protein change: p.Met194Arg; replaces methionine 194 with arginine.
Molecular consequence: missense variant.
Genome position (GRCh38, 1-based): chr10:8,058,644, T>G. VCF-style: chr10-8058644-T-G. GRCh37 (hg19) VCF-style: chr10-8100607-T-G.
Other names: c.581T>G, p.Met194Arg (NM_001441115.1, NM_001441116.1, NM_001441117.1 and 18 more transcripts); short protein forms M194R.
Identifiers: ClinVar variation 4692786 (VCV004692786.1).

ClinVar aggregate classification (germline): Uncertain significance (1 of 4 stars; one submission).

Submission:

Labcorp Genetics (formerly Invitae), Labcorp
Classification: Uncertain significance. Last evaluated: 2025-04-28. Review status: criteria provided, single submitter. Criteria: Invitae Variant Classification Sherloc (09022015). Collection method: clinical testing. Allele origin: germline.
Comment: This sequence change replaces methionine, which is neutral and non-polar, with arginine, which is basic and polar, at codon 194 of the GATA3 protein (p.Met194Arg). This variant is present in population databases (no rsID available, gnomAD 0.007%). This variant has not been reported in the literature in individuals affected with GATA3-related conditions. Invitae Evidence Modeling of protein sequence and biophysical properties (such as structural, functional, and spatial information, amino acid conservation, physicochemical variation, residue mobility, and thermodynamic stability) indicates that this missense variant is not expected to disrupt GATA3 protein function with a negative predictive value of 80%. In summary, the available evidence is currently insufficient to determine the role of this variant in disease. Therefore, it has been classified as a Variant of Uncertain Significance.